The following is an entry in ClinVar:

ClinVar aggregate classification (germline): Likely pathogenic. Review status: criteria provided, multiple submitters, no conflicts (2 of 4 stars). 2 submissions from 2 submitters: Likely pathogenic (2). Last evaluated 2024-04-03.

Conditions:
Cardiovascular phenotype. Identifiers: MedGen CN230736.

Submissions (2):

Ambry Genetics
Classification: Likely pathogenic for Cardiovascular phenotype. Last evaluated: 2024-04-03. Review status: criteria provided, single submitter. Criteria: Ambry Variant Classification Scheme 2023. Collection method: clinical testing. Allele origin: germline.
Comment: The c.2602+2T>G intronic variant results from a T to G substitution two nucleotides after coding exon 25 in the MYBPC3 gene. Alterations that disrupt the canonical splice site are expected to result in aberrant splicing. In silico splice site analysis predicts that this alteration will weaken the native splice donor site and may result in the creation or strengthening of a novel splice donor site. The resulting transcript is predicted to be in-frame and is not expected to trigger nonsense-mediated mRNAdecay; however, direct evidence is unavailable. The exact functional effect of the altered amino acid sequence is unknown; however, the impacted region is critical for protein function (Ambry internal data). This variant is considered to be rare based on population cohorts in the Genome Aggregation Database (gnomAD). This nucleotide position is highly conserved in available vertebrate species. Based on the majority of available evidence to date, this variant is likely to be pathogenic.

GeneDx
Classification: Likely pathogenic. Last evaluated: 2017-06-15. Review status: criteria provided, single submitter. Criteria: GeneDx Variant Classification (06012015). Collection method: clinical testing. Allele origin: germline. Affected: yes.
Comment: A likely pathogenic variant has been identified in the MYBPC3 gene. The c.2602+2 T>G variant has not been published as pathogenic or been reported as benign to our knowledge. This variant is not observed in large population cohorts (Lek et al., 2016; 1000 Genomes Consortium et al., 2015; Exome Variant Server). This substitution occurs at a nucleotide position that is conserved across species. The c.2602+2 T>G variant is predicted to destroy the canonical splice donor site in intron 25 and cause abnormal gene splicing. Other splice site variants in the MYBPC3 gene have been reported in HGMD in association with cardiomyopathy (Stenson et al., 2014).

NM_000256.3(MYBPC3):c.2602+2T>G

Gene: MYBPC3 (myosin binding protein C3; minus strand). Cytogenetic location: 11p11.2.
Variant type: single nucleotide variant.
Coding change: c.2602+2T>G on transcript NM_000256.3 (MANE Select); the canonical splice donor site of the intron after coding-DNA position 2602, T replaced by G.
Molecular consequence: splice donor variant.
Genome position (GRCh38, 1-based): chr11:47,337,389, A>C on the plus strand (T>G on the coding strand, the complement: MYBPC3 is on the minus strand). VCF-style: chr11-47337389-A-C. GRCh37 (hg19) VCF-style: chr11-47358940-A-C.
Identifiers: ClinVar variation 432413 (VCV000432413.3), dbSNP rs1555121145, ClinGen allele CA380317943.